The following is an entry in ClinVar:

NM_001278512.2(AP3B2):c.1496T>C (p.Met499Thr)

Genes: AP3B2 (adaptor related protein complex 3 subunit beta 2; minus strand), CPEB1-AS1 (CPEB1 antisense RNA 1; plus strand). Cytogenetic location: 15q25.2.
Variant type: single nucleotide variant.
Coding change: c.1496T>C on transcript NM_001278512.2 (MANE Select); coding-DNA position 1496, T replaced by C.
Protein change: p.Met499Thr; replaces methionine 499 with threonine.
Molecular consequence: missense variant.
Genome position (GRCh38, 1-based): chr15:82,676,630, A>G on the plus strand (T>C on the coding strand, the complement: AP3B2 is on the minus strand). VCF-style: chr15-82676630-A-G. GRCh37 (hg19) VCF-style: chr15-83345382-A-G.
Other names: c.1400T>C, p.Met467Thr (NM_001278511.2); c.1496T>C, p.Met499Thr (NM_004644.5); short protein forms M499T, M467T.
Identifiers: ClinVar variation 1462225 (VCV001462225.6), dbSNP rs2151438059, ClinGen allele CA393315583.

ClinVar aggregate classification (germline): Uncertain significance (1 of 4 stars; one submission).

Submission:

Labcorp Genetics (formerly Invitae), Labcorp
Classification: Uncertain significance. Last evaluated: 2021-10-02. Review status: criteria provided, single submitter. Criteria: Invitae Variant Classification Sherloc (09022015). Collection method: clinical testing. Allele origin: germline.
Comment: In summary, the available evidence is currently insufficient to determine the role of this variant in disease. Therefore, it has been classified as a Variant of Uncertain Significance. Algorithms developed to predict the effect of missense changes on protein structure and function (SIFT, PolyPhen-2, Align-GVGD) all suggest that this variant is likely to be tolerated. This variant has not been reported in the literature in individuals affected with AP3B2-related conditions. This variant is not present in population databases (ExAC no frequency). This sequence change replaces methionine with threonine at codon 499 of the AP3B2 protein (p.Met499Thr). The methionine residue is moderately conserved and there is a moderate physicochemical difference between methionine and threonine.